The following is an entry in ClinVar:

NM_001291303.3(FAT4):c.12509G>C (p.Arg4170Pro)

Gene: FAT4 (FAT atypical cadherin 4; plus strand). Cytogenetic location: 4q28.1.
Variant type: single nucleotide variant.
Coding change: c.12509G>C on transcript NM_001291303.3 (MANE Select); coding-DNA position 12509, G replaced by C.
Protein change: p.Arg4170Pro; replaces arginine 4170 with proline.
Molecular consequence: missense variant.
Genome position (GRCh38, 1-based): chr4:125,479,770, G>C. VCF-style: chr4-125479770-G-C. GRCh37 (hg19) VCF-style: chr4-126400925-G-C.
Other names: c.12509G>C, p.Arg4170Pro (NM_001291285.3); c.12503G>C, p.Arg4168Pro (NM_024582.6); short protein forms R4168P, R4170P.
Identifiers: ClinVar variation 1492482 (VCV001492482.8), dbSNP rs758666028, ClinGen allele CA358132161.

ClinVar aggregate classification (germline): Uncertain significance (1 of 4 stars; one submission).

Submission:

Labcorp Genetics (formerly Invitae), Labcorp
Classification: Uncertain significance. Last evaluated: 2022-07-19. Review status: criteria provided, single submitter. Criteria: Invitae Variant Classification Sherloc (09022015). Collection method: clinical testing. Allele origin: germline.
Comment: This sequence change replaces arginine, which is basic and polar, with proline, which is neutral and non-polar, at codon 4168 of the FAT4 protein (p.Arg4168Pro). This variant is not present in population databases (gnomAD no frequency). This variant has not been reported in the literature in individuals affected with FAT4-related conditions. ClinVar contains an entry for this variant (Variation ID: 1492482). Advanced modeling of protein sequence and biophysical properties (such as structural, functional, and spatial information, amino acid conservation, physicochemical variation, residue mobility, and thermodynamic stability) performed at Invitae indicates that this missense variant is not expected to disrupt FAT4 protein function. In summary, the available evidence is currently insufficient to determine the role of this variant in disease. Therefore, it has been classified as a Variant of Uncertain Significance.